The following is an entry in ClinVar:

ClinVar aggregate classification (germline): Pathogenic. Review status: criteria provided, single submitter (1 of 4 stars). 2 submissions from 2 submitters: Pathogenic (1). 1 of the submissions does not count toward it. Last evaluated 2025-03-26.

Conditions:
Complex cortical dysplasia with other brain malformations 6. Identifiers: MedGen C4014283, MONDO:0014341, OMIM 615771.

Submissions (2):

GeneDx
Classification: Pathogenic. Last evaluated: 2025-03-26. Review status: criteria provided, single submitter. Criteria: GeneDx Variant Classification Process June 2021. Collection method: clinical testing. Allele origin: germline. Affected: yes.
Comment: Not observed at significant frequency in large population cohorts (gnomAD); In silico analysis supports that this missense variant has a deleterious effect on protein structure/function; This variant is associated with the following publications: (PMID: 34211110, 39825153)

Solve-RD Consortium
Classification: Likely pathogenic for Complex cortical dysplasia with other brain malformations 6. Last evaluated: 2022-06-01. Review status: no assertion criteria provided. Collection method: provider interpretation. Allele origin: de novo. Affected: yes. Not counted in ClinVar's aggregate classification.
Comment: Variant confirmed as disease-causing by referring clinical team

Variant identified during reanalysis of unsolved cases by the Solve-RD project. The Solve-RD project has received funding from the European Union’s Horizon 2020 research and innovation programme under grant agreement No 779257.

Literature cited by the submitters: PubMed 39825153 (cited by Solve-RD Consortium).

NM_178014.4(TUBB):c.869C>T (p.Thr290Ile)

Gene: TUBB (tubulin beta class I; plus strand). Cytogenetic location: 6p21.33.
Variant type: single nucleotide variant.
Coding change: c.869C>T on transcript NM_178014.4 (MANE Select); coding-DNA position 869, C replaced by T.
Protein change: p.Thr290Ile; replaces threonine 290 with isoleucine.
Molecular consequence: missense variant. On other transcripts: intron variant (1).
Genome position (GRCh38, 1-based): chr6:30,723,931, C>T. VCF-style: chr6-30723931-C-T. GRCh37 (hg19) VCF-style: chr6-30691708-C-T.
Other names: c.653C>T, p.Thr218Ile (NM_001293215.2, NM_001293216.2); c.370-107C>T (NM_001293213.2); c.929C>T, p.Thr310Ile (NM_001293212.2); c.737C>T, p.Thr246Ile (NM_001293214.2); c.869C>T (NM_178014.3); short protein forms T218I, T246I, T290I, T310I.
Identifiers: ClinVar variation 3256783 (VCV003256783.2).
Genomic context (GRCh38, chr6:30,723,931, plus strand): 5'-TTGCCCCTCTCACCAGCCGTGGAAGCCAGCAGTATCGAGCTCTCACAGTGCCGGAACTCA[C>T]CCAGCAGGTCTTCGATGCCAAGAACATGATGGCTGCCTGTGACCCCCGCCACGGCCGATA-3'
Protein context (NP_821133.1, residues 280-300): QYRALTVPEL[Thr290Ile]QQVFDAKNMM